The following is an entry in ClinVar:

ClinVar aggregate classification (germline): Uncertain significance. Review status: criteria provided, multiple submitters, no conflicts (2 of 4 stars). 2 submissions from 2 submitters: Uncertain significance (2). Last evaluated 2023-03-17.

Conditions:
Multiple congenital anomalies-hypotonia-seizures syndrome 2 (MCAHS2). Also called: GLYCOSYLPHOSPHATIDYLINOSITOL BIOSYNTHESIS DEFECT 4; EPILEPTIC ENCEPHALOPATHY, EARLY INFANTILE, 20. Identifiers: Orphanet 300496, MedGen C3275508, MONDO:0010466, OMIM 300868.

Submissions (2):

GeneDx
Classification: Uncertain significance. Last evaluated: 2023-03-17. Review status: criteria provided, single submitter. Criteria: GeneDx Variant Classification Process June 2021. Collection method: clinical testing. Allele origin: germline. Affected: yes.
Comment: Not observed at significant frequency in large population cohorts (gnomAD); In silico analysis supports that this missense variant does not alter protein structure/function; Has not been previously published as pathogenic or benign to our knowledge

Labcorp Genetics (formerly Invitae), Labcorp
Classification: Uncertain significance for Multiple congenital anomalies-hypotonia-seizures syndrome 2. Last evaluated: 2019-09-28. Review status: criteria provided, single submitter. Criteria: Invitae Variant Classification Sherloc (09022015). Collection method: clinical testing. Allele origin: germline.
Comment: In summary, the available evidence is currently insufficient to determine the role of this variant in disease. Therefore, it has been classified as a Variant of Uncertain Significance. Algorithms developed to predict the effect of missense changes on protein structure and function (SIFT, PolyPhen-2, Align-GVGD) all suggest that this variant is likely to be tolerated, but these predictions have not been confirmed by published functional studies and their clinical significance is uncertain. This variant has not been reported in the literature in individuals with PIGA-related conditions. This variant is not present in population databases (ExAC no frequency). This sequence change replaces aspartic acid with histidine at codon 214 of the PIGA protein (p.Asp214His). The aspartic acid residue is moderately conserved and there is a moderate physicochemical difference between aspartic acid and histidine.

NM_002641.4(PIGA):c.640G>C (p.Asp214His)

Gene: PIGA (phosphatidylinositol glycan anchor biosynthesis class A; minus strand). Cytogenetic location: Xp22.2.
Variant type: single nucleotide variant.
Coding change: c.640G>C on transcript NM_002641.4 (MANE Select); coding-DNA position 640, G replaced by C.
Protein change: p.Asp214His; replaces aspartic acid 214 with histidine.
Molecular consequence: missense variant. On other transcripts: intron variant (1).
Genome position (GRCh38, 1-based): chrX:15,331,291, C>G on the plus strand (G>C on the coding strand, the complement: PIGA is on the minus strand). VCF-style: chrX-15331291-C-G. GRCh37 (hg19) VCF-style: chrX-15349413-C-G.
Other names: c.13+4210G>C (NM_020473.3); short protein forms D214H.
Identifiers: ClinVar variation 960143 (VCV000960143.11), dbSNP rs1922147618, ClinGen allele CA412338797.